The following is an entry in ClinVar:

NM_173477.5(USH1G):c.*63C>T

Gene: USH1G (USH1 protein network component sans; minus strand). Cytogenetic location: 17q25.1.
Variant type: single nucleotide variant.
Coding change: c.*63C>T on transcript NM_173477.5 (MANE Select); 63 bases downstream of the stop codon, C replaced by T.
Molecular consequence: 3 prime UTR variant.
Genome position (GRCh38, 1-based): chr17:74,918,010, G>A on the plus strand (C>T on the coding strand, the complement: USH1G is on the minus strand). VCF-style: chr17-74918010-G-A. GRCh37 (hg19) VCF-style: chr17-72914105-G-A.
Other names: c.*63C>T (NM_001282489.3).
Identifiers: ClinVar variation 325051 (VCV000325051.7), dbSNP rs113765180, ClinGen allele CA10646729.
Genomic context (GRCh38, chr17:74,918,010, plus strand): 5'-CCCCAACTGGTCCTTGCTCCTGGGGAAGGGGGCTGCAGGGCTGGCAACTGTGAGGACCTC[G>A]AGACCCCACCATAGGTTGTGGCAACTTGCAATTCATTTTGGTCTGGGGAGAGGAGCCCCC-3'

ClinVar aggregate classification (germline): Benign. Review status: criteria provided, multiple submitters, no conflicts (2 of 4 stars). 3 submissions from 3 submitters: Benign (3). Last evaluated 2018-06-29.

Conditions:
Usher syndrome type 1G. Also called: USHER SYNDROME, TYPE IG, MILD. Identifiers: Orphanet 231169, Orphanet 886, MedGen C1847089, MONDO:0011748, OMIM 606943.

Allele frequency attached by ClinVar (database versions not stated): gnomAD exomes 0.00337; 1000 Genomes Project 0.01837; 1000 Genomes Project 30x 0.01936; gnomAD 0.02217 and 0.02386; ESP Exome Variant Server 0.02278; TOPMed 0.02542.

Submissions (3):

GeneDx
Classification: Benign. Last evaluated: 2018-06-29. Review status: criteria provided, single submitter. Criteria: GeneDx Variant Classification Process June 2021. Collection method: clinical testing. Allele origin: germline. Affected: yes.

Illumina Laboratory Services, Illumina
Classification: Benign for Usher syndrome type 1G. Last evaluated: 2018-01-12. Review status: criteria provided, single submitter. Criteria: ICSL Variant Classification Criteria 13 December 2019. Collection method: clinical testing. Allele origin: germline.
Comment: This variant was observed in the ICSL laboratory as part of a predisposition screen in an ostensibly healthy population. It had not been previously curated by ICSL or reported in the Human Gene Mutation Database (HGMD: prior to June 1st, 2018), and was therefore a candidate for classification through an automated scoring system. Utilizing variant allele frequency, disease prevalence and penetrance estimates, and inheritance mode, an automated score was calculated to assess if this variant is too frequent to cause the disease. Based on the score and internal cut-off values, a variant classified as benign is not then subjected to further curation. The score for this variant resulted in a classification of benign for this disease.

Breakthrough Genomics
Classification: Benign. Review status: criteria provided, single submitter. Criteria: ACMG Guidelines, 2015. Collection method: not provided. Allele origin: germline. Inheritance: Autosomal recessive inheritance. Affected: yes.